The following is an entry in ClinVar:

ClinVar aggregate classification (germline): Conflicting classifications of pathogenicity. Review status: criteria provided, conflicting classifications (1 of 4 stars). 6 submissions from 5 submitters: Uncertain significance (5); Benign (1). Last evaluated 2024-05-28.

Conditions:
Autosomal recessive ataxia, Beauce type. Also called: Spinocerebellar ataxia, autosomal recessive 8; ATAXIA, RECESSIVE, OF BEAUCE; SYNE1-Related Autosomal Recessive Cerebellar Ataxia; SYNE1 Deficiency. Identifiers: Orphanet 88644, MedGen C1853116, MONDO:0012549, OMIM 610743.
Emery-Dreifuss muscular dystrophy 4, autosomal dominant (EDMD4). Also called: EMERY-DREIFUSS MUSCULAR DYSTROPHY 4 WITH VARIABLE FEATURES. Identifiers: Orphanet 261, MedGen C2751807, MONDO:0013071, OMIM 612998.

Allele frequency attached by ClinVar (database versions not stated): ExAC 0.00006; gnomAD exomes 0.00006 and 0.00017; gnomAD 0.00010 and 0.00011; TOPMed 0.00011; ESP Exome Variant Server 0.00023.
gnomAD v4.1: 257 of 1,614,082 alleles (0.016%); highest among the groups gnomAD compares: Non-Finnish European, 0.021%; no homozygotes.

Submissions (6):

Revvity Omics, Revvity
Classification: Uncertain significance. Last evaluated: 2024-05-28. Review status: criteria provided, single submitter. Criteria: ACMG Guidelines, 2015. Collection method: clinical testing. Allele origin: germline.

Labcorp Genetics (formerly Invitae), Labcorp
Classification: Uncertain significance for Emery-Dreifuss muscular dystrophy 4, autosomal dominant; Autosomal recessive ataxia, Beauce type. Last evaluated: 2022-08-15. Review status: criteria provided, single submitter. Criteria: Invitae Variant Classification Sherloc (09022015). Collection method: clinical testing. Allele origin: germline.
Comment: This sequence change replaces aspartic acid, which is acidic and polar, with asparagine, which is neutral and polar, at codon 3319 of the SYNE1 protein (p.Asp3319Asn). This variant is present in population databases (rs147281213, gnomAD 0.01%). This variant has not been reported in the literature in individuals affected with SYNE1-related conditions. ClinVar contains an entry for this variant (Variation ID: 282241). Algorithms developed to predict the effect of missense changes on protein structure and function are either unavailable or do not agree on the potential impact of this missense change (SIFT: "Deleterious"; PolyPhen-2: "Possibly Damaging"; Align-GVGD: "Class C15"). In summary, the available evidence is currently insufficient to determine the role of this variant in disease. Therefore, it has been classified as a Variant of Uncertain Significance.

GeneDx
Classification: Uncertain significance. Last evaluated: 2019-11-15. Review status: criteria provided, single submitter. Criteria: GeneDx Variant Classification Process June 2021. Collection method: clinical testing. Allele origin: germline. Affected: yes.
Comment: In silico analysis, which includes protein predictors and evolutionary conservation, supports that this variant does not alter protein structure/function; Has not been previously published as pathogenic or benign to our knowledge

Illumina Laboratory Services, Illumina
Classification: Benign for Emery-Dreifuss muscular dystrophy 4, autosomal dominant. Last evaluated: 2018-01-13. Review status: criteria provided, single submitter. Criteria: ICSL Variant Classification Criteria 13 December 2019. Collection method: clinical testing. Allele origin: germline.
Comment: This variant was observed in the ICSL laboratory as part of a predisposition screen in an ostensibly healthy population. It had not been previously curated by ICSL or reported in the Human Gene Mutation Database (HGMD: prior to June 1st, 2018), and was therefore a candidate for classification through an automated scoring system. Utilizing variant allele frequency, disease prevalence and penetrance estimates, and inheritance mode, an automated score was calculated to assess if this variant is too frequent to cause the disease. Based on the score and internal cut-off values, a variant classified as benign is not then subjected to further curation. The score for this variant resulted in a classification of benign for this disease.

Illumina Laboratory Services, Illumina
Classification: Uncertain significance for Autosomal recessive ataxia, Beauce type. Last evaluated: 2018-01-13. Review status: criteria provided, single submitter. Criteria: ICSL Variant Classification Criteria 13 December 2019. Collection method: clinical testing. Allele origin: germline.

Eurofins Ntd Llc (ga)
Classification: Uncertain significance. Last evaluated: 2015-08-25. Review status: criteria provided, single submitter. Criteria: EGL Classification Definitions 2015. Collection method: clinical testing. Allele origin: germline. Observed: 2 variant alleles, 2 heterozygotes.

NM_182961.4(SYNE1):c.9934G>A (p.Asp3312Asn)

Gene: SYNE1 (spectrin repeat containing nuclear envelope protein 1; minus strand). Cytogenetic location: 6q25.2.
Variant type: single nucleotide variant.
Coding change: c.9934G>A on transcript NM_182961.4 (MANE Select); coding-DNA position 9934, G replaced by A.
Protein change: p.Asp3312Asn; replaces aspartic acid 3312 with asparagine.
Molecular consequence: missense variant.
Genome position (GRCh38, 1-based): chr6:152,367,256, C>T on the plus strand (G>A on the coding strand, the complement: SYNE1 is on the minus strand). VCF-style: chr6-152367256-C-T. GRCh37 (hg19) VCF-style: chr6-152688391-C-T.
Other names: c.9955G>A, p.Asp3319Asn (NM_033071.5); short protein forms D3312N, D3319N.
Identifiers: ClinVar variation 282241 (VCV000282241.17), dbSNP rs147281213, ClinGen allele CA4057153.